The following is an entry in ClinVar:

ClinVar aggregate classification (germline): Uncertain significance (1 of 4 stars; one submission).

Submission:

Women's Health and Genetics/Laboratory Corporation of America, LabCorp
Classification: Uncertain significance. Last evaluated: 2025-02-24. Review status: criteria provided, single submitter. Criteria: LabCorp Variant Classification Summary - May 2015. Collection method: clinical testing. Allele origin: germline.
Comment: Variant summary: TYR c.728A>C (p.Lys243Thr) results in a non-conservative amino acid change in the encoded protein sequence. Three of five in-silico tools predict a benign effect of the variant on protein function. The variant was absent in 251150 control chromosomes. The available data on variant occurrences in the general population are insufficient to allow any conclusion about variant significance. c.728A>C has been reported in the literature in at-least one individual affected with Oculocutaneous Albinism (example: Opitz_2004). These report(s) do not provide unequivocal conclusions about association of the variant with Oculocutaneous Albinism. To our knowledge, no experimental evidence demonstrating an impact on protein function has been reported. The following publication has been ascertained in the context of this evaluation (PMID: 15146472). No submitters have cited clinical-significance assessments for this variant to ClinVar. Based on the evidence outlined above, the variant was classified as uncertain significance.

Literature cited by the submitters: PubMed 15146472.

NM_000372.5(TYR):c.728A>C (p.Lys243Thr)

Gene: TYR (tyrosinase; plus strand). Cytogenetic location: 11q14.3.
Variant type: single nucleotide variant.
Coding change: c.728A>C on transcript NM_000372.5 (MANE Select); coding-DNA position 728, A replaced by C.
Protein change: p.Lys243Thr; replaces lysine 243 with threonine.
Molecular consequence: missense variant.
Genome position (GRCh38, 1-based): chr11:89,178,681, A>C. VCF-style: chr11-89178681-A-C. GRCh37 (hg19) VCF-style: chr11-88911849-A-C.
Other names: short protein forms K243T.
Identifiers: ClinVar variation 3768860 (VCV003768860.1).